The following is an entry in ClinVar:

NM_001164508.2(NEB):c.20466+2T>A

Gene: NEB (nebulin; minus strand). Cytogenetic location: 2q23.3.
Variant type: single nucleotide variant.
Coding change: c.20466+2T>A on transcript NM_001164508.2 (MANE Select); the canonical splice donor site of the intron after coding-DNA position 20466, T replaced by A.
Molecular consequence: splice donor variant.
Genome position (GRCh38, 1-based): chr2:151,546,343, A>T on the plus strand (T>A on the coding strand, the complement: NEB is on the minus strand). VCF-style: chr2-151546343-A-T. GRCh37 (hg19) VCF-style: chr2-152402857-A-T.
Other names: c.15363+2T>A (NM_004543.5); c.20466+2T>A (NM_001164507.2, NM_001271208.2).
Identifiers: ClinVar variation 2770228 (VCV002770228.3), dbSNP rs2552174301, ClinGen allele CA348780673.

ClinVar aggregate classification (germline): Pathogenic (1 of 4 stars; one submission).

Conditions:
Nemaline myopathy 2 (NEM2). Also called: Nemaline myopathy 2, autosomal recessive. Identifiers: MedGen C1850569, MONDO:0009725, OMIM 256030.

Submission:

Labcorp Genetics (formerly Invitae), Labcorp
Classification: Pathogenic for Nemaline myopathy 2. Last evaluated: 2023-10-20. Review status: criteria provided, single submitter. Criteria: Invitae Variant Classification Sherloc (09022015). Collection method: clinical testing. Allele origin: germline.
Comment: This sequence change affects a donor splice site in intron 134 of the NEB gene. It is expected to disrupt RNA splicing. Variants that disrupt the donor or acceptor splice site typically lead to a loss of protein function (PMID: 16199547), and loss-of-function variants in NEB are known to be pathogenic (PMID: 25205138). This variant is not present in population databases (gnomAD no frequency). Disruption of this splice site has been observed in individual(s) with nemaline myopathy (PMID: 36233295). In at least one individual the data is consistent with being in trans (on the opposite chromosome) from a pathogenic variant. Algorithms developed to predict the effect of sequence changes on RNA splicing suggest that this variant may disrupt the consensus splice site. For these reasons, this variant has been classified as Pathogenic.

Literature cited by the submitters: PubMed 16199547; PubMed 25205138; PubMed 36233295.